The following is an entry in ClinVar:

ClinVar aggregate classification (germline): Uncertain significance (1 of 4 stars; one submission).

Conditions:
Epidermolysis bullosa simplex with nail dystrophy (EBS5D). Identifiers: MedGen C4225309, MONDO:0014661, OMIM 616487.
Epidermolysis bullosa simplex, Ogna type (EBS5A). Also called: EPIDERMOLYSIS BULLOSA SIMPLEX 5A, OGNA TYPE; Pidermolysis bullosa simplex 5A, Ogna type. Identifiers: Orphanet 79401, MedGen C0432317, MONDO:0007555, OMIM 131950.
Epidermolysis bullosa simplex 5C, with pyloric atresia (EBS5C). Also called: PLEC1-Related Epidermolysis Bullosa with Pyloric Atresia; PLEC-Related Epidermolysis Bullosa with Pyloric Atresia; Epidermolysis bullosa simplex with pyloric atresia. Identifiers: Orphanet 158684, MedGen C2677349, MONDO:0012807, OMIM 612138.
Autosomal recessive limb-girdle muscular dystrophy type 2Q (LGMDR17). Also called: MUSCULAR DYSTROPHY, LIMB-GIRDLE, AUTOSOMAL RECESSIVE 17. Identifiers: Orphanet 254361, MedGen C3150989, MONDO:0013390, OMIM 613723.
Epidermolysis bullosa simplex 5B, with muscular dystrophy (EBS5B). Also called: EPIDERMOLYSIS BULLOSA SIMPLEX AND LIMB-GIRDLE MUSCULAR DYSTROPHY; Epidermolysis bullosa simplex with muscular dystrophy. Identifiers: Orphanet 257, MedGen C2931072, MONDO:0009181, OMIM 226670.

Submission:

Labcorp Genetics (formerly Invitae), Labcorp
Classification: Uncertain significance for Autosomal recessive limb-girdle muscular dystrophy type 2Q; Epidermolysis bullosa simplex, Ogna type; Epidermolysis bullosa simplex with nail dystrophy; Epidermolysis bullosa simplex 5C, with pyloric atresia; Epidermolysis bullosa simplex 5B, with muscular dystrophy. Last evaluated: 2024-01-26. Review status: criteria provided, single submitter. Criteria: Invitae Variant Classification Sherloc (09022015). Collection method: clinical testing. Allele origin: germline.
Comment: This sequence change replaces lysine, which is basic and polar, with asparagine, which is neutral and polar, at codon 3149 of the PLEC protein (p.Lys3149Asn). This variant is not present in population databases (gnomAD no frequency). This variant has not been reported in the literature in individuals affected with PLEC-related conditions. An algorithm developed to predict the effect of missense changes on protein structure and function (PolyPhen-2) suggests that this variant is likely to be disruptive. In summary, the available evidence is currently insufficient to determine the role of this variant in disease. Therefore, it has been classified as a Variant of Uncertain Significance.

NM_201384.3(PLEC):c.9366G>C (p.Lys3122Asn)

Gene: PLEC (plectin; minus strand). Cytogenetic location: 8q24.3.
Variant type: single nucleotide variant.
Coding change: c.9366G>C on transcript NM_201384.3 (MANE Select); coding-DNA position 9366, G replaced by C.
Protein change: p.Lys3122Asn; replaces lysine 3122 with asparagine.
Molecular consequence: missense variant.
Genome position (GRCh38, 1-based): chr8:143,920,455, C>G on the plus strand (G>C on the coding strand, the complement: PLEC is on the minus strand). VCF-style: chr8-143920455-C-G. GRCh37 (hg19) VCF-style: chr8-144994623-C-G.
Other names: c.9447G>C, p.Lys3149Asn (NM_000445.5); c.6066G>C, p.Lys2022Asn (NM_001410941.1); c.9324G>C, p.Lys3108Asn (NM_201378.4); c.9300G>C, p.Lys3100Asn (NM_201379.3); c.9777G>C, p.Lys3259Asn (NM_201380.4); c.9270G>C, p.Lys3090Asn (NM_201381.3); c.9366G>C, p.Lys3122Asn (NM_201382.4); c.9378G>C, p.Lys3126Asn (NM_201383.3); short protein forms K3122N, K3090N, K3100N, K3126N, K3108N, K3259N, K2022N, K3149N.
Identifiers: ClinVar variation 2922214 (VCV002922214.3), dbSNP rs926483642, ClinGen allele CA372510139.